The following is an entry in ClinVar:

NM_000053.4(ATP7B):c.841C>T (p.Gln281Ter)

Gene: ATP7B (ATPase copper transporting beta; minus strand). Cytogenetic location: 13q14.3.
Variant type: single nucleotide variant.
Coding change: c.841C>T on transcript NM_000053.4 (MANE Select); coding-DNA position 841, C replaced by T.
Protein change: p.Gln281Ter; replaces glutamine 281 with a stop codon.
Molecular consequence: nonsense. On other transcripts: intron variant (1).
Genome position (GRCh38, 1-based): chr13:51,974,379, G>A on the plus strand (C>T on the coding strand, the complement: ATP7B is on the minus strand). VCF-style: chr13-51974379-G-A. GRCh37 (hg19) VCF-style: chr13-52548515-G-A.
Other names: c.841C>T, p.Gln281Ter (NM_001005918.3, NM_001330578.2, NM_001330579.2); c.802+39C>T (NM_001243182.2); short protein forms Q281*.
Identifiers: ClinVar variation 556890 (VCV000556890.35), dbSNP rs1555296356, ClinGen allele CA388040975.

ClinVar aggregate classification (germline): Pathogenic/Likely pathogenic. Review status: criteria provided, multiple submitters, no conflicts (2 of 4 stars). 5 submissions from 5 submitters: Pathogenic (2); Likely pathogenic (2). 1 of the submissions does not count toward it. Last evaluated 2024-03-19.

Conditions:
Wilson disease (WND). Also called: Wilson's disease. Identifiers: Orphanet 905, MedGen C0019202, MONDO:0010200, OMIM 277900. Disease mechanism: loss of function.

Submissions (5):

Fulgent Genetics
Classification: Likely pathogenic for Wilson disease. Last evaluated: 2024-03-19. Review status: criteria provided, single submitter. Criteria: ACMG Guidelines, 2015. Collection method: clinical testing. Allele origin: germline.

Labcorp Genetics (formerly Invitae), Labcorp
Classification: Pathogenic for Wilson disease. Last evaluated: 2023-09-19. Review status: criteria provided, single submitter. Criteria: Invitae Variant Classification Sherloc (09022015). Collection method: clinical testing. Allele origin: germline.
Comment: For these reasons, this variant has been classified as Pathogenic. ClinVar contains an entry for this variant (Variation ID: 556890). This premature translational stop signal has been observed in individual(s) with Wilson disease (PMID: 31059521). This variant is not present in population databases (gnomAD no frequency). This sequence change creates a premature translational stop signal (p.Gln281*) in the ATP7B gene. It is expected to result in an absent or disrupted protein product. Loss-of-function variants in ATP7B are known to be pathogenic (PMID: 10441329, 16283883).

CeGaT Center for Human Genetics Tuebingen
Classification: Likely pathogenic. Last evaluated: 2023-01-01. Review status: criteria provided, single submitter. Criteria: CeGaT Center For Human Genetics Tuebingen Variant Classification Criteria Version 2. Collection method: clinical testing. Allele origin: germline. Affected: yes. Observed: 1 variant allele.
Comment: ATP7B: PVS1:Strong, PM2, PP4:Moderate

Neuberg Centre For Genomic Medicine, NCGM
Classification: Pathogenic for Wilson disease. Review status: criteria provided, single submitter. Criteria: ACMG Guidelines, 2015. Collection method: clinical testing. Allele origin: germline. Inheritance: Autosomal recessive inheritance. Affected: yes.

Counsyl
Classification: Likely pathogenic for Wilson disease. Last evaluated: 2018-02-26. Review status: no assertion criteria provided. Collection method: clinical testing. Allele origin: unknown. Not counted in ClinVar's aggregate classification.

Literature cited by the submitters: PubMed 31059521 (cited by Labcorp Genetics (formerly Invitae), Labcorp); PubMed 10441329 (cited by Labcorp Genetics (formerly Invitae), Labcorp); PubMed 16283883 (cited by Labcorp Genetics (formerly Invitae), Labcorp).